The following is an entry in ClinVar:

ClinVar aggregate classification (germline): Uncertain significance. Review status: criteria provided, multiple submitters, no conflicts (2 of 4 stars). 3 submissions from 3 submitters: Uncertain significance (2). 1 of the submissions does not count toward it. Last evaluated 2025-06-24.

Conditions:
Inborn genetic diseases. Identifiers: MedGen C0950123, MeSH D030342.
Fanconi anemia (FA). Also called: Fanconi's anemia. Identifiers: Orphanet 84, MedGen C0015625, MeSH D005199, MONDO:0019391.
Fanconi anemia complementation group G. Also called: Fanconi anemia group G; FANCG-Related Fanconi Anemia. Identifiers: Orphanet 84, MedGen C3469527, MONDO:0013565, OMIM 614082.

Allele frequency attached by ClinVar (database versions not stated): gnomAD exomes below 0.00001.

Submissions (3):

Ambry Genetics
Classification: Uncertain significance for Inborn genetic diseases. Last evaluated: 2025-06-24. Review status: criteria provided, single submitter. Criteria: Ambry Variant Classification Scheme 2023. Collection method: clinical testing. Allele origin: germline.
Comment: The p.H582R variant (also known as c.1745A>G), located in coding exon 13 of the FANCG gene, results from an A to G substitution at nucleotide position 1745. The histidine at codon 582 is replaced by arginine, an amino acid with highly similar properties. This amino acid position is conserved. In addition, this alteration is predicted to be tolerated by in silico analysis. Based on the available evidence, the clinical significance of this variant remains unclear.

Labcorp Genetics (formerly Invitae), Labcorp
Classification: Uncertain significance for Fanconi anemia. Last evaluated: 2021-08-26. Review status: criteria provided, single submitter. Criteria: Invitae Variant Classification Sherloc (09022015). Collection method: clinical testing. Allele origin: germline.
Comment: This sequence change replaces histidine with arginine at codon 582 of the FANCG protein (p.His582Arg). The histidine residue is weakly conserved and there is a small physicochemical difference between histidine and arginine. This variant is not present in population databases (ExAC no frequency). This variant has not been reported in the literature in individuals affected with FANCG-related conditions. Algorithms developed to predict the effect of missense changes on protein structure and function (SIFT, PolyPhen-2, Align-GVGD) all suggest that this variant is likely to be tolerated. In summary, the available evidence is currently insufficient to determine the role of this variant in disease. Therefore, it has been classified as a Variant of Uncertain Significance.

Natera, Inc.
Classification: Uncertain significance for Fanconi anemia group G. Last evaluated: 2021-06-04. Review status: no assertion criteria provided. Collection method: clinical testing. Allele origin: germline. Not counted in ClinVar's aggregate classification.

NM_004629.2(FANCG):c.1745A>G (p.His582Arg)

Gene: FANCG (FA complementation group G; minus strand). Cytogenetic location: 9p13.3.
Variant type: single nucleotide variant.
Coding change: c.1745A>G on transcript NM_004629.2 (MANE Select); coding-DNA position 1745, A replaced by G.
Protein change: p.His582Arg; replaces histidine 582 with arginine.
Molecular consequence: missense variant.
Genome position (GRCh38, 1-based): chr9:35,074,386, T>C on the plus strand (A>G on the coding strand, the complement: FANCG is on the minus strand). VCF-style: chr9-35074386-T-C. GRCh37 (hg19) VCF-style: chr9-35074383-T-C.
Other names: short protein forms H582R.
Identifiers: ClinVar variation 939762 (VCV000939762.6), dbSNP rs1196002404, ClinGen allele CA373300432.